The following is an entry in ClinVar:

NM_001466.4(FZD2):c.1630A>G (p.Thr544Ala)

Gene: FZD2 (frizzled class receptor 2; plus strand). Cytogenetic location: 17q21.31.
Variant type: single nucleotide variant.
Coding change: c.1630A>G on transcript NM_001466.4 (MANE Select); coding-DNA position 1630, A replaced by G.
Protein change: p.Thr544Ala; replaces threonine 544 with alanine.
Molecular consequence: missense variant.
Genome position (GRCh38, 1-based): chr17:44,559,318, A>G. VCF-style: chr17-44559318-A-G. GRCh37 (hg19) VCF-style: chr17-42636686-A-G.
Other names: short protein forms T544A.
Identifiers: ClinVar variation 2704410 (VCV002704410.3), dbSNP rs2544585226, ClinGen allele CA399800467.

ClinVar aggregate classification (germline): Uncertain significance (1 of 4 stars; one submission).

Submission:

Labcorp Genetics (formerly Invitae), Labcorp
Classification: Uncertain significance. Last evaluated: 2023-12-20. Review status: criteria provided, single submitter. Criteria: Invitae Variant Classification Sherloc (09022015). Collection method: clinical testing. Allele origin: germline.
Comment: This sequence change replaces threonine, which is neutral and polar, with alanine, which is neutral and non-polar, at codon 544 of the FZD2 protein (p.Thr544Ala). This variant is not present in population databases (gnomAD no frequency). This variant has not been reported in the literature in individuals affected with FZD2-related conditions. Advanced modeling of protein sequence and biophysical properties (such as structural, functional, and spatial information, amino acid conservation, physicochemical variation, residue mobility, and thermodynamic stability) performed at Invitae indicates that this missense variant is expected to disrupt FZD2 protein function with a positive predictive value of 80%. In summary, the available evidence is currently insufficient to determine the role of this variant in disease. Therefore, it has been classified as a Variant of Uncertain Significance.